The following is an entry in ClinVar:

NM_014639.4(SKIC3):c.3426dup (p.Ala1143fs)

Gene: SKIC3 (SKI3 subunit of superkiller complex; minus strand). Cytogenetic location: 5q15.
Variant type: Duplication.
Coding change: c.3426dup on transcript NM_014639.4 (MANE Select); coding-DNA position 3426, one base duplicated (A; older notation c.3426dupA).
Protein change: p.Ala1143fs; shifts the reading frame from alanine 1143.
Molecular consequence: frameshift variant.
Genome position (GRCh38, 1-based): chr5:95,498,507, T duplicated on the plus strand (A on the coding strand, the reverse complement: SKIC3 is on the minus strand); the first of 4 consecutive T bases (chr5:95,498,507-95,498,510); duplicating any one gives the same sequence. VCF-style (leftmost placement, unchanged base first): chr5-95498506-C-CT. GRCh37 (hg19) VCF-style: chr5-94834210-C-CT.
Other names: c.3426dupA (NM_014639.3); short protein forms A1143fs.
Identifiers: ClinVar variation 817666 (VCV000817666.8), dbSNP rs771031428, ClinGen allele CA3346729.

ClinVar aggregate classification (germline): Pathogenic. Review status: criteria provided, multiple submitters, no conflicts (2 of 4 stars). 5 submissions from 5 submitters: Pathogenic (5). Last evaluated 2025-01-24.

Conditions:
Trichohepatoenteric syndrome 1 (THES1). Also called: DIARRHEA, FATAL INFANTILE, WITH TRICHORRHEXIS NODOSA. Identifiers: Orphanet 84064, MedGen C4551982, MONDO:0024541, OMIM 222470.
SKIC3-related disorder. Also called: SKIC3-related condition.

Submissions (5):

PreventionGenetics, part of Exact Sciences
Classification: Pathogenic for SKIC3-related condition. Last evaluated: 2025-01-24. Review status: criteria provided, single submitter. Criteria: ACMG Guidelines, 2015. Collection method: clinical testing. Allele origin: germline.
Comment: The SKIC3 c.3426dupA variant is predicted to result in a frameshift and premature protein termination (p.Ala1143Serfs*4). This variant has been reported in the compound heterozygous and homozygous states in individuals with trichohepatoenteric syndrome (referred to as Ins3724A (InsA1143S Fs*3), Lee et al. 2016. PubMed ID: 26945392; Lee et al. 2016. PubMed ID: 27050310). This variant is reported in 0.044% of alleles in individuals of East Asian descent in gnomAD. Frameshift variants in SKIC3 are expected to be pathogenic. This variant is interpreted as pathogenic.

Revvity Omics, Revvity
Classification: Pathogenic for Trichohepatoenteric syndrome 1. Last evaluated: 2024-01-30. Review status: criteria provided, single submitter. Criteria: ACMG Guidelines, 2015. Collection method: clinical testing. Allele origin: germline.

Labcorp Genetics (formerly Invitae), Labcorp
Classification: Pathogenic. Last evaluated: 2023-05-31. Review status: criteria provided, single submitter. Criteria: Invitae Variant Classification Sherloc (09022015). Collection method: clinical testing. Allele origin: germline.
Comment: For these reasons, this variant has been classified as Pathogenic. ClinVar contains an entry for this variant (Variation ID: 817666). This variant is also known as InsA1143SFs*3. This premature translational stop signal has been observed in individuals with clinical features consistent with trichohepatoenteric syndrome (PMID: 26945392, 27050310). This variant is present in population databases (rs771031428, gnomAD 0.04%). This sequence change creates a premature translational stop signal (p.Ala1143Serfs*4) in the TTC37 gene. It is expected to result in an absent or disrupted protein product. Loss-of-function variants in TTC37 are known to be pathogenic (PMID: 20176027, 21120949).

GeneDx
Classification: Pathogenic. Last evaluated: 2019-03-25. Review status: criteria provided, single submitter. Criteria: GeneDx Variant Classification (06012015). Collection method: clinical testing. Allele origin: germline. Affected: yes.
Comment: The c.3426dupA variant in the TTC37 gene has been reported previously in the homozygous state, in an individual with trichohepatoenteric syndrome (Lee et al., 2016). The c.3426dupA variant causes a frameshift starting with codon Alanine 1143, changes this amino acid to a Serine residue, and creates a premature Stop codon at position 4 of the new reading frame, denoted p.Ala1143SerfsX4. This variant is predicted to cause loss of normal protein function either through protein truncation or nonsense-mediated mRNA decay. The c.3426dupA variant is observed in 7/17244 (0.04%) alleles from individuals of East Asian background, in large population cohorts, and no individuals were reported to be homozygous (Lek et al., 2016). We interpret c.3426dupA as a pathogenic variant.

Juno Genomics, Hangzhou Juno Genomics, Inc
Classification: Pathogenic for Trichohepatoenteric syndrome 1. Review status: criteria provided, single submitter. Criteria: ACMG Guidelines, 2015. Collection method: clinical testing. Allele origin: germline. Affected: yes.
Comment: Absent from controls (or at extremely low frequency if recessive) in Genome Aggregation Database.;Null variant in a gene where loss of function (LOF) is a known mechanism of disease.;For recessive disorders, detected in trans with a pathogenic variant.;Patient's phenotype or family history is highly specific for a disease with a single genetic etiology.

Literature cited by the submitters: PubMed 26945392 (cited by Labcorp Genetics (formerly Invitae), Labcorp); PubMed 27050310 (cited by Labcorp Genetics (formerly Invitae), Labcorp); PubMed 20176027 (cited by Labcorp Genetics (formerly Invitae), Labcorp); PubMed 21120949 (cited by Labcorp Genetics (formerly Invitae), Labcorp).